The following is an entry in ClinVar:

NM_015340.4(LARS2):c.-36G>A

Gene: LARS2 (leucyl-tRNA synthetase 2, mitochondrial; plus strand). Cytogenetic location: 3p21.31.
Variant type: single nucleotide variant.
Coding change: c.-36G>A on transcript NM_015340.4 (MANE Select); 36 bases upstream of the start codon, G replaced by A.
Molecular consequence: 5 prime UTR variant. On other transcripts: intron variant (1).
Genome position (GRCh38, 1-based): chr3:45,391,634, G>A. VCF-style: chr3-45391634-G-A. GRCh37 (hg19) VCF-style: chr3-45433126-G-A.
Other names: NC_000003.11:g.45433126G>A; c.-21-2799G>A (NM_001368263.1).
Identifiers: ClinVar variation 380550 (VCV000380550.3), dbSNP rs75054661, ClinGen allele CA16604475.
Genomic context (GRCh38, chr3:45,391,634, plus strand): 5'-GCTTTTCAGATCCAGACCTACAGATAAAAAACATTATTTAATCTATCTGGGATTTACTCC[G>A]GCTTATGATTTGAGGTGGGGCTCTAATTTTAAGTTTTTCTCTTATTTGTTGAATAATCTA-3'

ClinVar aggregate classification (germline): Benign. Review status: criteria provided, multiple submitters, no conflicts (2 of 4 stars). 2 submissions from 2 submitters: Benign (2). Last evaluated 2016-02-02.

Allele frequency attached by ClinVar (database versions not stated): gnomAD 0.03806 and 0.04041; TOPMed 0.03989; 1000 Genomes Project 30x 0.06465; 1000 Genomes Project 0.06569.

Submissions (5):

GeneDx
Classification: Benign. Last evaluated: 2016-02-02. Review status: criteria provided, single submitter. Criteria: GeneDx Variant Classification (06012015). Collection method: clinical testing. Allele origin: germline. Affected: yes.
Comment: This variant is considered likely benign or benign based on one or more of the following criteria: it is a conservative change, it occurs at a poorly conserved position in the protein, it is predicted to be benign by multiple in silico algorithms, and/or has population frequency not consistent with disease.

Breakthrough Genomics
Classification: Benign. Review status: criteria provided, single submitter. Criteria: ACMG Guidelines, 2015. Collection method: not provided. Allele origin: germline. Inheritance: Autosomal recessive inheritance. Affected: yes.

Dr. Peter K. Rogan Lab, Western University
No classification provided (evidence only). Condition: Ovarian serous cystadenocarcinoma. Review status: no classification provided. Collection method: in vitro. Allele origin: not applicable. Functional consequence: retained intron. Not counted in ClinVar's aggregate classification.

Dr. Peter K. Rogan Lab, Western University
No classification provided (evidence only). Condition: Ovarian serous cystadenocarcinoma. Review status: no classification provided. Collection method: in vitro. Allele origin: not applicable. Functional consequence: retained intron. Not counted in ClinVar's aggregate classification.

Dr. Peter K. Rogan Lab, Western University
No classification provided (evidence only). Condition: Ovarian serous cystadenocarcinoma. Review status: no classification provided. Collection method: in vitro. Allele origin: not applicable. Functional consequence: retained intron. Not counted in ClinVar's aggregate classification.